The following is an entry in ClinVar:

ClinVar aggregate classification (germline): Conflicting classifications of pathogenicity. Review status: criteria provided, conflicting classifications (1 of 4 stars). 2 submissions from 2 submitters: Uncertain significance (1); Likely benign (1). Last evaluated 2023-11-17.

Conditions:
Hereditary cancer-predisposing syndrome. Also called: Tumor predisposition; Hereditary neoplastic syndrome; Neoplastic Syndromes, Hereditary; Hereditary Cancer Syndrome. Identifiers: Orphanet 140162, MedGen C0027672, MeSH D009386, MONDO:0015356.

Allele frequency attached by ClinVar (database versions not stated): gnomAD exomes below 0.00001.
gnomAD v4.1: 1 of 1,534,538 alleles (0.000065%); highest among the groups gnomAD compares: Non-Finnish European, 0.000087%; no homozygotes.

Submissions (2):

Ambry Genetics
Classification: Likely benign for Hereditary cancer-predisposing syndrome. Last evaluated: 2023-11-17. Review status: criteria provided, single submitter. Criteria: Ambry Variant Classification Scheme 2023. Collection method: clinical testing. Allele origin: germline.

GeneDx
Classification: Uncertain significance. Last evaluated: 2023-02-24. Review status: criteria provided, single submitter. Criteria: GeneDx Variant Classification Process June 2021. Collection method: clinical testing. Allele origin: germline. Affected: yes.
Comment: Not observed at significant frequency in large population cohorts (gnomAD); In silico analysis supports that this missense variant does not alter protein structure/function; Has not been previously published as pathogenic or benign to our knowledge; This variant is associated with the following publications: (PMID: 15235021)

NM_004360.5(CDH1):c.12G>C (p.Trp4Cys)

Gene: CDH1 (cadherin 1; plus strand). Cytogenetic location: 16q22.1.
Variant type: single nucleotide variant.
Coding change: c.12G>C on transcript NM_004360.5 (MANE Select); coding-DNA position 12, G replaced by C.
Protein change: p.Trp4Cys; replaces tryptophan 4 with cysteine.
Molecular consequence: missense variant. On other transcripts: 5 prime UTR variant (2).
Genome position (GRCh38, 1-based): chr16:68,737,427, G>C. VCF-style: chr16-68737427-G-C. GRCh37 (hg19) VCF-style: chr16-68771330-G-C.
Other names: c.12G>C, p.Trp4Cys (NM_001317184.2); c.-1604G>C (NM_001317185.2); c.-1808G>C (NM_001317186.2); short protein forms W4C.
Identifiers: ClinVar variation 2577652 (VCV002577652.2), dbSNP rs1555509636, ClinGen allele CA396451252.